The following is an entry in ClinVar:

ClinVar aggregate classification (germline): Pathogenic (1 of 4 stars; one submission).

Conditions:
Intellectual disability, X-linked 102 (MRXSSB). Also called: Intellectual developmental disorder, X-linked syndromic, Snijders Blok type. Identifiers: Orphanet 457260, MedGen C5393299, MONDO:0010497, OMIM 300958.

Submission:

Molecular Genetics Laboratory, Motol Hospital
Classification: Pathogenic for Intellectual disability, X-linked 102. Last evaluated: 2025-11-07. Review status: criteria provided, single submitter. Criteria: ACMG Guidelines, 2015. Collection method: clinical testing. Allele origin: de novo. Affected: yes. Observed: 1 variant allele.
Comment: Not present in gnomAD (v4.1.0), dbSNP or ClinVar (PM2). Rare variants affecting the DDX3X gene are associated with dominant or recessive "Snijders Blok type of X-linked syndromic intellectual developmental disorder" (MRXSSB; MIM:300958; PMID:26235985;PMID:30936465;PMID:30734472;PMID:30817323). The variant is located in the mutation hotspot in the exon 12 of the DDX3X gene (PM1). To conclude, the variant c.1244T>C is classified as pathogenic (PM2, PM1, PP2, PP3, PS2).

Literature cited by the submitters: PubMed 26235985; PubMed 30936465; PubMed 30734472; PubMed 30817323.

NM_001356.5(DDX3X):c.1244T>C (p.Ile415Thr)

Gene: DDX3X (DEAD-box helicase 3 X-linked; plus strand). Cytogenetic location: Xp11.4.
Variant type: single nucleotide variant.
Coding change: c.1244T>C on transcript NM_001356.5 (MANE Select); coding-DNA position 1244, T replaced by C.
Protein change: p.Ile415Thr; replaces isoleucine 415 with threonine.
Molecular consequence: missense variant. On other transcripts: non-coding transcript variant (1).
Genome position (GRCh38, 1-based): chrX:41,345,477, T>C. VCF-style: chrX-41345477-T-C. GRCh37 (hg19) VCF-style: chrX-41204730-T-C.
Other names: c.1244T>C, p.Ile415Thr (NM_001193416.3); c.1196T>C, p.Ile399Thr (NM_001193417.3); c.686T>C, p.Ile229Thr (NM_001363819.1); short protein forms I229T, I399T, I415T.
Identifiers: ClinVar variation 4526895 (VCV004526895.1).